The following is an entry in ClinVar:

ClinVar aggregate classification (germline): Pathogenic. Review status: criteria provided, multiple submitters, no conflicts (2 of 4 stars). 3 submissions from 3 submitters: Pathogenic (2). 1 of the submissions does not count toward it. Last evaluated 2024-04-01.

Conditions:
KCNH2-related disorder. Also called: KCNH2-related disorders; KCNH2-related condition.
Familial long QT syndrome (RWS). Also called: Congenital long QT syndrome; Romano-Ward syndrome; VENTRICULAR FIBRILLATION WITH PROLONGED QT INTERVAL. Identifiers: Orphanet 768, MedGen C1141890, MONDO:0019171.

Submissions (3):

CeGaT Center for Human Genetics Tuebingen
Classification: Pathogenic. Last evaluated: 2024-04-01. Review status: criteria provided, single submitter. Criteria: CeGaT Center For Human Genetics Tuebingen Variant Classification Criteria Version 2. Collection method: clinical testing. Allele origin: germline. Affected: yes. Observed: 2 variant alleles.
Comment: KCNH2: PM1, PM2, PM5, PS4:Moderate, PP3, PS3:Supporting

Blueprint Genetics
Classification: Pathogenic for KCNH2-related disorders. Last evaluated: 2023-04-12. Review status: criteria provided, single submitter. Criteria: ACMG Guidelines, 2015. Collection method: clinical testing. Allele origin: germline. Affected: yes. Observed: 1 variant allele.

Cardiovascular Biomedical Research Unit, Royal Brompton & Harefield NHS Foundation Trust
No classification provided. Condition: Familial long QT syndrome. Review status: no classification provided. Collection method: literature only. Allele origin: germline. Not counted in ClinVar's aggregate classification.
Comment: This variant has been reported as associated with Long QT syndrome in the following publications (PMID:19716085). This is a literature report, and does not necessarily reflect the clinical interpretation of the Imperial College / Royal Brompton Cardiovascular Genetics laboratory.

Literature cited by the submitters: PubMed 19716085 (cited by Cardiovascular Biomedical Research Unit, Royal Brompton & Harefield NHS Foundation Trust); PubMed 22581653 (cited by Cardiovascular Biomedical Research Unit, Royal Brompton & Harefield NHS Foundation Trust).

NM_000238.4(KCNH2):c.158G>A (p.Gly53Asp)

Gene: KCNH2 (potassium voltage-gated channel subfamily H member 2; minus strand). Cytogenetic location: 7q36.1.
Variant type: single nucleotide variant.
Coding change: c.158G>A on transcript NM_000238.4 (MANE Select); coding-DNA position 158, G replaced by A.
Protein change: p.Gly53Asp; replaces glycine 53 with aspartic acid.
Molecular consequence: missense variant.
Genome position (GRCh38, 1-based): chr7:150,974,860, C>T on the plus strand (G>A on the coding strand, the complement: KCNH2 is on the minus strand). VCF-style: chr7-150974860-C-T. GRCh37 (hg19) VCF-style: chr7-150671948-C-T.
Other names: c.158G>A (LRG_288t1); c.-20G>A (NM_001406755.1); c.158G>A, p.Gly53Asp (NM_172056.3); short protein forms G53D.
Identifiers: ClinVar variation 67217 (VCV000067217.29), dbSNP rs199473491, ClinGen allele CA004864.